The following is an entry in ClinVar:

ClinVar aggregate classification (germline): Conflicting classifications of pathogenicity. Review status: criteria provided, conflicting classifications (1 of 4 stars). 5 submissions from 5 submitters: Uncertain significance (2); Benign (1). 2 of the submissions do not count toward it. Last evaluated 2026-02-03.

Conditions:
Congenital factor V deficiency. Also called: OWREN PARAHEMOPHILIA; PARAHEMOPHILIA; Hereditary factor V deficiency disease; LABILE FACTOR DEFICIENCY. Identifiers: Orphanet 326, MedGen C0015499, MONDO:0009210, OMIM 227400.
Factor V Hong Kong. Identifiers: MedGen C4017271.
Thrombophilia due to activated protein C resistance (THPH2). Also called: Hereditary Resistance to Activated Protein C; PCCF DEFICIENCY; PROC COFACTOR DEFICIENCY; THROMBOPHILIA DUE TO DEFICIENCY OF ACTIVATED PROTEIN C COFACTOR; THROMBOPHILIA V; Activated protein C resistance. Identifiers: MedGen C1861171, MONDO:0008560, OMIM 188055. Disease mechanism: loss of function, gain of function.

Allele frequency attached by ClinVar (database versions not stated): gnomAD exomes 0.00012 and 0.00069; gnomAD 0.00021 and 0.00023; TOPMed 0.00022; ExAC 0.00049; 1000 Genomes Project 30x 0.00156; 1000 Genomes Project 0.00200.
gnomAD v4.1: 222 of 1,614,148 alleles (0.014%); highest among the groups gnomAD compares: East Asian, 0.36%; 1 homozygote.

Submissions (5):

Labcorp Genetics (formerly Invitae), Labcorp
Classification: Benign for Congenital factor V deficiency. Last evaluated: 2026-02-03. Review status: criteria provided, single submitter. Criteria: Invitae Variant Classification Sherloc (09022015). Collection method: clinical testing. Allele origin: germline.

Blueprint Genetics
Classification: Uncertain significance. Last evaluated: 2024-08-16. Review status: criteria provided, single submitter. Criteria: ACMG Guidelines, 2015. Collection method: clinical testing. Allele origin: germline.

GeneDx
Classification: Uncertain significance. Last evaluated: 2019-08-02. Review status: criteria provided, single submitter. Criteria: GeneDx Variant Classification Process June 2021. Collection method: clinical testing. Allele origin: germline. Affected: yes.
Comment: In silico analysis, which includes protein predictors and evolutionary conservation, supports a deleterious effect; This variant is associated with the following publications: (PMID: 14660667, 30297698, 12091344, 20051284, 9454741, 30630204, 20218141, 31180159, 31589614, 33587123)

OMIM
Classification: Pathogenic for FACTOR V HONG KONG. Last evaluated: 1998-10-01. Review status: no assertion criteria provided. Collection method: literature only. Allele origin: germline. Not counted in ClinVar's aggregate classification.

GeneReviews
No classification provided. Condition: Thrombophilia due to activated protein C resistance. Review status: no classification provided. Collection method: literature only. Allele origin: germline. Not counted in ClinVar's aggregate classification.

Literature cited by the submitters: PubMed 9454741 (cited by OMIM); PubMed 9746807 (cited by OMIM); NCBI Bookshelf NBK1368 (cited by GeneReviews).

NM_000130.5(F5):c.1000A>G (p.Arg334Gly)

Gene: F5 (coagulation factor V; minus strand). Cytogenetic location: 1q24.2.
Variant type: single nucleotide variant.
Coding change: c.1000A>G on transcript NM_000130.5 (MANE Select); coding-DNA position 1000, A replaced by G.
Protein change: p.Arg334Gly; replaces arginine 334 with glycine.
Molecular consequence: missense variant.
Genome position (GRCh38, 1-based): chr1:169,555,300, T>C on the plus strand (A>G on the coding strand, the complement: F5 is on the minus strand). VCF-style: chr1-169555300-T-C. GRCh37 (hg19) VCF-style: chr1-169524538-T-C.
Other names: F5, ARG306GLY; short protein forms R334G.
Identifiers: ClinVar variation 643 (VCV000000643.17), dbSNP rs118203905, ClinGen allele CA114381.